The following is an entry in ClinVar:

ClinVar aggregate classification (germline): Uncertain significance. Review status: criteria provided, multiple submitters, no conflicts (2 of 4 stars). 3 submissions from 3 submitters: Uncertain significance (3). Last evaluated 2025-11-22.

Conditions:
Hereditary cancer-predisposing syndrome. Also called: Neoplastic Syndromes, Hereditary; Hereditary Cancer Syndrome; Tumor predisposition; Hereditary neoplastic syndrome. Identifiers: Orphanet 140162, MedGen C0027672, MeSH D009386, MONDO:0015356.
Familial cancer of breast. Also called: Hereditary breast cancer; BREAST CANCER, FAMILIAL; hereditary breast carcinoma. Identifiers: Orphanet 227535, MedGen C0346153, MONDO:0016419, OMIM 114480. Disease mechanism: loss of function.

Submissions (3):

Labcorp Genetics (formerly Invitae), Labcorp
Classification: Uncertain significance for Familial cancer of breast. Last evaluated: 2025-11-22. Review status: criteria provided, single submitter. Criteria: Invitae Variant Classification Sherloc (09022015). Collection method: clinical testing. Allele origin: germline.
Comment: This sequence change replaces proline, which is neutral and non-polar, with alanine, which is neutral and non-polar, at codon 425 of the CHEK2 protein (p.Pro425Ala). This variant is not present in population databases (gnomAD no frequency). This variant has not been reported in the literature in individuals affected with CHEK2-related conditions. ClinVar contains an entry for this variant (Variation ID: 928249). An algorithm developed to predict the effect of missense changes on protein structure and function (PolyPhen-2) suggests that this variant is likely to be disruptive. In summary, the available evidence is currently insufficient to determine the role of this variant in disease. Therefore, it has been classified as a Variant of Uncertain Significance.

Ambry Genetics
Classification: Uncertain significance for Hereditary cancer-predisposing syndrome. Last evaluated: 2024-08-07. Review status: criteria provided, single submitter. Criteria: Ambry Variant Classification Scheme 2023. Collection method: clinical testing. Allele origin: germline.
Comment: The p.P425A variant (also known as c.1273C>G), located in coding exon 11 of the CHEK2 gene, results from a C to G substitution at nucleotide position 1273. The proline at codon 425 is replaced by alanine, an amino acid with highly similar properties. This amino acid position is highly conserved in available vertebrate species. In addition, the in silico prediction for this alteration is inconclusive. Based on the available evidence, the clinical significance of this variant remains unclear.

Color Diagnostics, LLC DBA Color Health
Classification: Uncertain significance for Hereditary cancer-predisposing syndrome. Last evaluated: 2023-12-04. Review status: criteria provided, single submitter. Criteria: ACMG Guidelines, 2015. Collection method: clinical testing. Allele origin: germline.
Comment: This missense variant replaces proline with alanine at codon 425 of the CHEK2 protein. Computational prediction tools and conservation analyses are inconclusive regarding the impact of this variant on the protein function. Computational splicing tools suggest that this variant may not impact RNA splicing. To our knowledge, functional assays have not been performed for this variant nor has this variant been reported in individuals affected with hereditary cancer in the literature. This variant has not been identified in the general population by the Genome Aggregation Database (gnomAD). Available evidence is insufficient to determine the role of this variant in disease conclusively. Therefore, this variant is classified as a Variant of Uncertain Significance.

NM_007194.4(CHEK2):c.1273C>G (p.Pro425Ala)

Gene: CHEK2 (checkpoint kinase 2; minus strand). Cytogenetic location: 22q12.1.
Variant type: single nucleotide variant.
Coding change: c.1273C>G on transcript NM_007194.4 (MANE Select); coding-DNA position 1273, C replaced by G.
Protein change: p.Pro425Ala; replaces proline 425 with alanine.
Molecular consequence: missense variant.
Genome position (GRCh38, 1-based): chr22:28,695,229, G>C on the plus strand (C>G on the coding strand, the complement: CHEK2 is on the minus strand). VCF-style: chr22-28695229-G-C. GRCh37 (hg19) VCF-style: chr22-29091217-G-C.
Other names: c.1402C>G, p.Pro468Ala (NM_001005735.3); c.610C>G, p.Pro204Ala (NM_001257387.3); c.1072C>G, p.Pro358Ala (NM_001349956.3); c.1186C>G, p.Pro396Ala (NM_145862.3); short protein forms P204A, P358A, P396A, P425A, P468A.
Identifiers: ClinVar variation 928249 (VCV000928249.7), dbSNP rs1423670346, ClinGen allele CA411096296.